The following is an entry in ClinVar:

ClinVar aggregate classification (germline): Uncertain significance (1 of 4 stars; one submission).

Conditions:
Early-infantile DEE. Also called: Early infantile epileptic encephalopathy; Early infantile epileptic encephalopathy with suppression bursts; Ohtahara syndrome. Identifiers: Orphanet 1934, MedGen C0393706, MONDO:0800491.

Submission:

Labcorp Genetics (formerly Invitae), Labcorp
Classification: Uncertain significance for Early-infantile DEE. Last evaluated: 2022-08-27. Review status: criteria provided, single submitter. Criteria: Invitae Variant Classification Sherloc (09022015). Collection method: clinical testing. Allele origin: germline.
Comment: In summary, the available evidence is currently insufficient to determine the role of this variant in disease. Therefore, it has been classified as a Variant of Uncertain Significance. Advanced modeling of protein sequence and biophysical properties (such as structural, functional, and spatial information, amino acid conservation, physicochemical variation, residue mobility, and thermodynamic stability) performed at Invitae indicates that this missense variant is expected to disrupt SCN1A protein function. This variant has not been reported in the literature in individuals affected with SCN1A-related conditions. This variant is not present in population databases (gnomAD no frequency). This sequence change replaces valine, which is neutral and non-polar, with alanine, which is neutral and non-polar, at codon 857 of the SCN1A protein (p.Val857Ala).

NM_001165963.4(SCN1A):c.2570T>C (p.Val857Ala)

Gene: SCN1A (sodium voltage-gated channel alpha subunit 1; minus strand). Cytogenetic location: 2q24.3.
Variant type: single nucleotide variant.
Coding change: c.2570T>C on transcript NM_001165963.4 (MANE Select); coding-DNA position 2570, T replaced by C.
Protein change: p.Val857Ala; replaces valine 857 with alanine.
Molecular consequence: missense variant. On other transcripts: non-coding transcript variant (1).
Genome position (GRCh38, 1-based): chr2:166,039,442, A>G on the plus strand (T>C on the coding strand, the complement: SCN1A is on the minus strand). VCF-style: chr2-166039442-A-G. GRCh37 (hg19) VCF-style: chr2-166895952-A-G.
Other names: c.2486T>C, p.Val829Ala (NM_001165964.3, NM_001353957.2, NM_001353958.2); c.2570T>C, p.Val857Ala (NM_001202435.3, NM_001353948.2); c.2537T>C, p.Val846Ala (NM_001353949.2, NM_001353950.2, NM_001353951.2 and 2 more transcripts); c.2534T>C, p.Val845Ala (NM_001353954.2, NM_001353955.2); c.2483T>C, p.Val828Ala (NM_001353960.2); c.128T>C, p.Val43Ala (NM_001353961.2); short protein forms V845A, V857A, V846A, V828A, V829A, V43A.
Identifiers: ClinVar variation 2103851 (VCV002103851.4), dbSNP rs2468113041, ClinGen allele CA349062372.
Genomic context (GRCh38, chr2:166,039,442, plus strand): 5'-GAAAGGTTTTTGAATTTGGTGCTTTTTTTTTTTTTTTTTACCAATCGAAATGAACGGAGA[A>G]CAGATAATCCTTCCACATTGGCGAGTCCAAGTTCTACCAGGCTAAGCGTCACAATAAAAC-3'
Protein context (NP_001159435.1, residues 847-867): LGLANVEGLS[Val857Ala]LRSFRLLRVF